The following is an entry in ClinVar:

ClinVar aggregate classification (germline): Uncertain significance (1 of 4 stars; one submission).

Conditions:
Hereditary cancer-predisposing syndrome. Also called: Neoplastic Syndromes, Hereditary; Tumor predisposition; Hereditary neoplastic syndrome; Hereditary Cancer Syndrome. Identifiers: Orphanet 140162, MedGen C0027672, MeSH D009386, MONDO:0015356.

gnomAD v4.1: 1 of 1,614,256 alleles (0.000062%); highest among the groups gnomAD compares: Non-Finnish European, 0.000085%; no homozygotes.

Submission:

Ambry Genetics
Classification: Uncertain significance for Hereditary cancer-predisposing syndrome. Last evaluated: 2026-08-23. Review status: criteria provided, single submitter. Criteria: Ambry Variant Classification Scheme 2023. Collection method: clinical testing. Allele origin: germline.
Comment: The p.K100T variant (also known as c.299A>C), located in coding exon 2 of the KIT gene, results from an A to C substitution at nucleotide position 299. The lysine at codon 100 is replaced by threonine, an amino acid with similar properties. This amino acid position is conserved. In addition, this alteration is predicted to be tolerated by in silico analysis. Based on the available evidence, the clinical significance of this variant remains unclear.

NM_000222.3(KIT):c.299A>C (p.Lys100Thr)

Gene: KIT (KIT proto-oncogene, receptor tyrosine kinase; plus strand). Cytogenetic location: 4q12.
Variant type: single nucleotide variant.
Coding change: c.299A>C on transcript NM_000222.3 (MANE Select); coding-DNA position 299, A replaced by C.
Protein change: p.Lys100Thr; replaces lysine 100 with threonine.
Molecular consequence: missense variant.
Genome position (GRCh38, 1-based): chr4:54,695,743, A>C. VCF-style: chr4-54695743-A-C. GRCh37 (hg19) VCF-style: chr4-55561909-A-C.
Other names: c.299A>C, p.Lys100Thr (NM_001093772.2, NM_001385284.1, NM_001385285.1 and 4 more transcripts); short protein forms K100T.
Identifiers: ClinVar variation 5023337 (VCV005023337.1).